The following is an entry in ClinVar:

NM_021930.6(RINT1):c.2228C>A (p.Ser743Tyr)

Genes: EFCAB10 (EF-hand calcium binding domain 10; minus strand), RINT1 (RAD50 interactor 1; plus strand). Cytogenetic location: 7q22.3.
Variant type: single nucleotide variant.
Coding change: c.2228C>A on transcript NM_021930.6 (MANE Select); coding-DNA position 2228, C replaced by A.
Protein change: p.Ser743Tyr; replaces serine 743 with tyrosine.
Molecular consequence: missense variant. On other transcripts: 3 prime UTR variant (2), non-coding transcript variant (1), intron variant (3).
Genome position (GRCh38, 1-based): chr7:105,567,160, C>A. VCF-style: chr7-105567160-C-A. GRCh37 (hg19) VCF-style: chr7-105207607-C-A.
Other names: c.*294G>T (NM_001355527.2, NM_001355529.2); c.1994C>A, p.Ser665Tyr (NM_001346599.2); c.1205C>A, p.Ser402Tyr (NM_001346600.2, NM_001346603.2); c.1304C>A, p.Ser435Tyr (NM_001346601.2); c.360-1713G>T (NM_001355531.2); c.383+307G>T (NM_001355526.2, NM_001355530.2); short protein forms S743Y, S402Y, S435Y, S665Y.
Identifiers: ClinVar variation 1788020 (VCV001788020.7), dbSNP rs772323757, ClinGen allele CA4426922.

ClinVar aggregate classification (germline): Uncertain significance. Review status: criteria provided, multiple submitters, no conflicts (2 of 4 stars). 2 submissions from 2 submitters: Uncertain significance (2). Last evaluated 2022-10-27.

Allele frequency attached by ClinVar (database versions not stated): TOPMed below 0.00001; ExAC 0.00001.

Submissions (2):

Labcorp Genetics (formerly Invitae), Labcorp
Classification: Uncertain significance. Last evaluated: 2022-10-27. Review status: criteria provided, single submitter. Criteria: Invitae Variant Classification Sherloc (09022015). Collection method: clinical testing. Allele origin: germline.
Comment: In summary, the available evidence is currently insufficient to determine the role of this variant in disease. Therefore, it has been classified as a Variant of Uncertain Significance. Algorithms developed to predict the effect of missense changes on protein structure and function are either unavailable or do not agree on the potential impact of this missense change (SIFT: "Deleterious"; PolyPhen-2: "Probably Damaging"; Align-GVGD: "Class C0"). This variant has not been reported in the literature in individuals affected with RINT1-related conditions. This variant is present in population databases (rs772323757, gnomAD 0.006%). This sequence change replaces serine, which is neutral and polar, with tyrosine, which is neutral and polar, at codon 743 of the RINT1 protein (p.Ser743Tyr).

Ambry Genetics
Classification: Uncertain significance. Last evaluated: 2022-06-18. Review status: criteria provided, single submitter. Criteria: Ambry Variant Classification Scheme 2023. Collection method: clinical testing. Allele origin: germline.
Comment: The p.S743Y variant (also known as c.2228C>A), located in coding exon 15 of the RINT1 gene, results from a C to A substitution at nucleotide position 2228. The serine at codon 743 is replaced by tyrosine, an amino acid with dissimilar properties. This amino acid position is conserved. In addition, this alteration is predicted to be tolerated by in silico analysis. Since supporting evidence is limited at this time, the clinical significance of this alteration remains unclear.